The following is an entry in ClinVar:

NM_016373.4(WWOX):c.397A>T (p.Asn133Tyr)

Gene: WWOX (WW domain containing oxidoreductase; plus strand). Cytogenetic location: 16q23.1.
Variant type: single nucleotide variant.
Coding change: c.397A>T on transcript NM_016373.4 (MANE Select); coding-DNA position 397, A replaced by T.
Protein change: p.Asn133Tyr; replaces asparagine 133 with tyrosine.
Molecular consequence: missense variant. On other transcripts: non-coding transcript variant (1).
Genome position (GRCh38, 1-based): chr16:78,115,142, A>T. VCF-style: chr16-78115142-A-T. GRCh37 (hg19) VCF-style: chr16-78149039-A-T.
Other names: c.58A>T, p.Asn20Tyr (NM_001291997.2); c.397A>T, p.Asn133Tyr (NM_130791.5); short protein forms N133Y, N20Y.
Identifiers: ClinVar variation 2005449 (VCV002005449.4), dbSNP rs376284070, ClinGen allele CA396842616.
Genomic context (GRCh38, chr16:78,115,142, plus strand): 5'-GCCATGGAAATTCTCCAGGGCCGGGATTTCACTGGCAAAGTGGTTGTGGTCACTGGAGCT[A>T]ATTCAGGAATAGGTAGGCTCTTCACTTAGTTATTTATCTTTGGGACTGCTATAATGAGAT-3'
Protein context (NP_057457.1, residues 123-143): TGKVVVVTGA[Asn133Tyr]SGIGFETAKS

ClinVar aggregate classification (germline): Uncertain significance (1 of 4 stars; one submission).

Conditions:
Autosomal recessive spinocerebellar ataxia 12. Also called: SPINOCEREBELLAR ATAXIA WITH MENTAL RETARDATION AND EPILEPSY. Identifiers: Orphanet 284282, MedGen C3280452, MONDO:0013687, OMIM 614322.
Developmental and epileptic encephalopathy, 1 (DEE1). Also called: Tonic spasms with clustering, arrest of psychomotor development and hypsarrhythmia on EEG; X-Linked Infantile Spasm Syndrome; X-linked infantile spasms; West's syndrome; OHTAHARA SYNDROME, X-LINKED; Epileptic encephalopathy, early infantile, 1. Identifiers: MedGen C3463992, MONDO:0010632, OMIM 308350. Disease mechanism: loss of function.

Submission:

Labcorp Genetics (formerly Invitae), Labcorp
Classification: Uncertain significance for Developmental and epileptic encephalopathy, 1; Autosomal recessive spinocerebellar ataxia 12. Last evaluated: 2022-06-13. Review status: criteria provided, single submitter. Criteria: Invitae Variant Classification Sherloc (09022015). Collection method: clinical testing. Allele origin: germline.
Comment: In summary, the available evidence is currently insufficient to determine the role of this variant in disease. Therefore, it has been classified as a Variant of Uncertain Significance. Algorithms developed to predict the effect of missense changes on protein structure and function are either unavailable or do not agree on the potential impact of this missense change (SIFT: "Not Available"; PolyPhen-2: "Probably Damaging"; Align-GVGD: "Not Available"). This variant has not been reported in the literature in individuals affected with WWOX-related conditions. This variant is not present in population databases (gnomAD no frequency). This sequence change replaces asparagine, which is neutral and polar, with tyrosine, which is neutral and polar, at codon 133 of the WWOX protein (p.Asn133Tyr).